The following is an entry in ClinVar:

NM_005475.3(SH2B3):c.1402C>T (p.Pro468Ser)

Gene: SH2B3 (SH2B adaptor protein 3; plus strand). Cytogenetic location: 12q24.12.
Variant type: single nucleotide variant.
Coding change: c.1402C>T on transcript NM_005475.3 (MANE Select); coding-DNA position 1402, C replaced by T.
Protein change: p.Pro468Ser; replaces proline 468 with serine.
Molecular consequence: missense variant.
Genome position (GRCh38, 1-based): chr12:111,447,821, C>T. VCF-style: chr12-111447821-C-T. GRCh37 (hg19) VCF-style: chr12-111885625-C-T.
Other names: c.796C>T, p.Pro266Ser (NM_001291424.1); short protein forms P266S, P468S.
Identifiers: ClinVar variation 3795251 (VCV003795251.1).
Genomic context (GRCh38, chr12:111,447,821, plus strand): 5'-CTCGAGTGCGGCGCCGCCTGTGATGTCCGGCTCTCCAGCTACGTGGTAGTCGTCTCCCAA[C>T]CACCAGGTCTGACCCTACTGCCCTTTGCTGAAGGGGGTGGCTGACACTGGGTAGAGGGTA-3'
Protein context (NP_005466.1, residues 458-478): LSSYVVVVSQ[Pro468Ser]PGSCNTVLFP

ClinVar aggregate classification (germline): Uncertain significance (1 of 4 stars; one submission).

Conditions:
Inborn genetic diseases. Identifiers: MedGen C0950123, MeSH D030342.

gnomAD v4.1: 2 of 1,613,624 alleles (0.00012%); highest among the groups gnomAD compares: Admixed American, 0.0017%; no homozygotes.

Submission:

Ambry Genetics
Classification: Uncertain significance for Inborn genetic diseases. Last evaluated: 2025-03-11. Review status: criteria provided, single submitter. Criteria: Ambry Variant Classification Scheme 2023. Collection method: clinical testing. Allele origin: germline.
Comment: The p.P468S variant (also known as c.1402C>T), located in coding exon 6 of the SH2B3 gene, results from a C to T substitution at nucleotide position 1402. The proline at codon 468 is replaced by serine, an amino acid with similar properties. This amino acid position is conserved. In addition, this alteration is predicted to be tolerated by in silico analysis. Based on the available evidence, the clinical significance of this variant remains unclear.